The following is an entry in ClinVar:

NM_005535.3(IL12RB1):c.1081C>G (p.Arg361Gly)

Gene: IL12RB1 (interleukin 12 receptor subunit beta 1; minus strand). Cytogenetic location: 19p13.11.
Variant type: single nucleotide variant.
Coding change: c.1081C>G on transcript NM_005535.3 (MANE Select); coding-DNA position 1081, C replaced by G.
Protein change: p.Arg361Gly; replaces arginine 361 with glycine.
Molecular consequence: missense variant.
Genome position (GRCh38, 1-based): chr19:18,069,654, G>C on the plus strand (C>G on the coding strand, the complement: IL12RB1 is on the minus strand). VCF-style: chr19-18069654-G-C. GRCh37 (hg19) VCF-style: chr19-18180464-G-C.
Other names: c.1081C>G, p.Arg361Gly (NM_001290023.2); c.1201C>G, p.Arg401Gly (NM_001290024.2); short protein forms R361G, R401G.
Identifiers: ClinVar variation 965371 (VCV000965371.8), dbSNP rs150261140, ClinGen allele CA9304966.
Genomic context (GRCh38, chr19:18,069,654, plus strand): 5'-CAAGGCCCCCGTCCTGGCCCACAGGCTGCCATTCAATGCAATACGTCATGCTCTGAGCCC[G>C]GGCTGGCCAATACATGGTGGTCCCGTTGGTTCCGACGCTGATATTCAGAGCCACTGGTTC-3'
Protein context (NP_005526.1, residues 351-371): TNGTTMYWPA[Arg361Gly]AQSMTYCIEW

ClinVar aggregate classification (germline): Uncertain significance (1 of 4 stars; one submission).

Conditions:
Mendelian susceptibility to mycobacterial diseases due to complete IL12RB1 deficiency. Also called: IL12RB1 DEFICIENCY; Immunodeficiency 30. Identifiers: Orphanet 319552, MedGen C4013949, MONDO:0013955, OMIM 614891.

Allele frequency attached by ClinVar (database versions not stated): 1000 Genomes Project 30x 0.00016.
gnomAD v4.1: 19 of 1,613,082 alleles (0.0012%); highest among the groups gnomAD compares: Middle Eastern, 0.033%; no homozygotes.

Submission:

Labcorp Genetics (formerly Invitae), Labcorp
Classification: Uncertain significance for Mendelian susceptibility to mycobacterial diseases due to complete IL12RB1 deficiency. Last evaluated: 2024-10-26. Review status: criteria provided, single submitter. Criteria: Invitae Variant Classification Sherloc (09022015). Collection method: clinical testing. Allele origin: germline.
Comment: This sequence change replaces arginine, which is basic and polar, with glycine, which is neutral and non-polar, at codon 361 of the IL12RB1 protein (p.Arg361Gly). This variant is present in population databases (rs150261140, gnomAD 0.007%). This variant has not been reported in the literature in individuals affected with IL12RB1-related conditions. ClinVar contains an entry for this variant (Variation ID: 965371). Invitae Evidence Modeling of protein sequence and biophysical properties (such as structural, functional, and spatial information, amino acid conservation, physicochemical variation, residue mobility, and thermodynamic stability) indicates that this missense variant is not expected to disrupt IL12RB1 protein function with a negative predictive value of 80%. In summary, the available evidence is currently insufficient to determine the role of this variant in disease. Therefore, it has been classified as a Variant of Uncertain Significance.